The following is an entry in ClinVar:

NM_001365276.2(TNXB):c.7684C>T (p.Arg2562Trp)

Gene: TNXB (tenascin XB; minus strand). Cytogenetic location: 6p21.33.
Variant type: single nucleotide variant.
Coding change: c.7684C>T on transcript NM_001365276.2 (MANE Select); coding-DNA position 7684, C replaced by T.
Protein change: p.Arg2562Trp; replaces arginine 2562 with tryptophan.
Molecular consequence: missense variant.
Genome position (GRCh38, 1-based): chr6:32,058,199, G>A on the plus strand (C>T on the coding strand, the complement: TNXB is on the minus strand). VCF-style: chr6-32058199-G-A. GRCh37 (hg19) VCF-style: chr6-32025976-G-A.
Other names: c.8425C>T, p.Arg2809Trp (NM_001428335.1); c.7684C>T, p.Arg2562Trp (NM_019105.8); short protein forms R2562W, R2809W.
Identifiers: ClinVar variation 3809340 (VCV003809340.1).
Genomic context (GRCh38, chr6:32,058,199, plus strand): 5'-GCTCCAGGCCCCTCACAGTGACCTTGCTCTCCTGGCCCCCAACACGCACCGCCTGGGGCC[G>A]CCCGTCCCTGTCCTTGTACTGCACGGTGAAGGAGTCAAAGCGGCCCTGGGGGACGGTCCA-3'
Protein context (NP_001352205.1, residues 2552-2572): FTVQYKDRDG[Arg2562Trp]PQAVRVGGQE

ClinVar aggregate classification (germline): Uncertain significance (1 of 4 stars; one submission).

Conditions:
Cardiovascular phenotype. Identifiers: MedGen CN230736.

gnomAD v4.1: 14 of 1,612,168 alleles (0.00087%); highest among the groups gnomAD compares: East Asian, 0.0045%; no homozygotes.

Submission:

Ambry Genetics
Classification: Uncertain significance for Cardiovascular phenotype. Last evaluated: 2025-01-27. Review status: criteria provided, single submitter. Criteria: Ambry Variant Classification Scheme 2023. Collection method: clinical testing. Allele origin: germline.
Comment: The p.R2562W variant (also known as c.7684C>T), located in coding exon 21 of the TNXB gene, results from a C to T substitution at nucleotide position 7684. The arginine at codon 2562 is replaced by tryptophan, an amino acid with dissimilar properties. This amino acid position is conserved. In addition, this alteration is predicted to be tolerated by in silico analysis. Based on the available evidence, the clinical significance of this variant remains unclear.